The following is an entry in ClinVar:

NM_144997.7(FLCN):c.806T>C (p.Leu269Pro)

Gene: FLCN (folliculin; minus strand). Cytogenetic location: 17p11.2.
Variant type: single nucleotide variant.
Coding change: c.806T>C on transcript NM_144997.7 (MANE Select); coding-DNA position 806, T replaced by C.
Protein change: p.Leu269Pro; replaces leucine 269 with proline.
Molecular consequence: missense variant.
Genome position (GRCh38, 1-based): chr17:17,221,602, A>G on the plus strand (T>C on the coding strand, the complement: FLCN is on the minus strand). VCF-style: chr17-17221602-A-G. GRCh37 (hg19) VCF-style: chr17-17124916-A-G.
Other names: c.860T>C, p.Leu287Pro (NM_001353229.2); c.806T>C, p.Leu269Pro (NM_001353230.2, NM_001353231.2, NM_144606.7); short protein forms L269P, L287P.
Identifiers: ClinVar variation 4025299 (VCV004025299.1).

ClinVar aggregate classification (germline): Uncertain significance (1 of 4 stars; one submission).

Conditions:
Hereditary cancer-predisposing syndrome. Also called: Tumor predisposition; Hereditary neoplastic syndrome; Neoplastic Syndromes, Hereditary; Hereditary Cancer Syndrome. Identifiers: Orphanet 140162, MedGen C0027672, MeSH D009386, MONDO:0015356.

gnomAD v4.1: 1 of 1,609,704 alleles (0.000062%); highest among the groups gnomAD compares: Non-Finnish European, 0.000085%; no homozygotes.

Submission:

Ambry Genetics
Classification: Uncertain significance for Hereditary cancer-predisposing syndrome. Last evaluated: 2025-03-22. Review status: criteria provided, single submitter. Criteria: Ambry Variant Classification Scheme 2023. Collection method: clinical testing. Allele origin: germline.
Comment: The p.L269P variant (also known as c.806T>C), located in coding exon 5 of the FLCN gene, results from a T to C substitution at nucleotide position 806. The leucine at codon 269 is replaced by proline, an amino acid with similar properties. This amino acid position is highly conserved in available vertebrate species. In addition, this alteration is predicted to be deleterious by in silico analysis. Based on the available evidence, the clinical significance of this variant remains unclear.